The following is an entry in ClinVar:

ClinVar aggregate classification (germline): Pathogenic. Review status: criteria provided, multiple submitters, no conflicts (2 of 4 stars). 2 submissions from 2 submitters: Pathogenic (2). Last evaluated 2025-04-28.

Conditions:
RHO-related disorder. Also called: RHO-related condition.

Allele frequency attached by ClinVar (database versions not stated): gnomAD 0.00001.
gnomAD v4.1: 1 of 1,613,962 alleles (0.000062%); highest among the groups gnomAD compares: Non-Finnish European, 0.000085%; no homozygotes.

Submissions (2):

Labcorp Genetics (formerly Invitae), Labcorp
Classification: Pathogenic. Last evaluated: 2025-04-28. Review status: criteria provided, single submitter. Criteria: Invitae Variant Classification Sherloc (09022015). Collection method: clinical testing. Allele origin: germline.
Comment: This sequence change replaces proline, which is neutral and non-polar, with serine, which is neutral and polar, at codon 180 of the RHO protein (p.Pro180Ser). This variant is not present in population databases (gnomAD no frequency). This missense change has been observed in individual(s) with autosomal dominant retinitis pigmentosa (PMID: 22334370). In at least one individual the variant was observed to be de novo. ClinVar contains an entry for this variant (Variation ID: 838718). Invitae Evidence Modeling of protein sequence and biophysical properties (such as structural, functional, and spatial information, amino acid conservation, physicochemical variation, residue mobility, and thermodynamic stability) indicates that this missense variant is expected to disrupt RHO protein function with a positive predictive value of 95%. This variant disrupts the p.Pro180 amino acid residue in RHO. Other variant(s) that disrupt this residue have been determined to be pathogenic (PMID: 11139241, 17014888; internal data). This suggests that this residue is clinically significant, and that variants that disrupt this residue are likely to be disease-causing. For these reasons, this variant has been classified as Pathogenic.

Blueprint Genetics
Classification: Pathogenic for RHO-related disorders. Last evaluated: 2022-01-14. Review status: criteria provided, single submitter. Criteria: ACMG Guidelines, 2015. Collection method: clinical testing. Allele origin: germline. Affected: yes. Observed: 4 variant alleles.

Literature cited by the submitters: PubMed 22334370 (cited by Labcorp Genetics (formerly Invitae), Labcorp); PubMed 11139241 (cited by Labcorp Genetics (formerly Invitae), Labcorp); PubMed 17014888 (cited by Labcorp Genetics (formerly Invitae), Labcorp).

NM_000539.3(RHO):c.538C>T (p.Pro180Ser)

Gene: RHO (rhodopsin; plus strand). Cytogenetic location: 3q22.1.
Variant type: single nucleotide variant.
Coding change: c.538C>T on transcript NM_000539.3 (MANE Select); coding-DNA position 538, C replaced by T.
Protein change: p.Pro180Ser; replaces proline 180 with serine.
Molecular consequence: missense variant.
Genome position (GRCh38, 1-based): chr3:129,532,258, C>T. VCF-style: chr3-129532258-C-T. GRCh37 (hg19) VCF-style: chr3-129251101-C-T.
Other names: short protein forms P180S.
Identifiers: ClinVar variation 838718 (VCV000838718.10), dbSNP rs1560046837, ClinGen allele CA354499107.